The following is an entry in ClinVar:

ClinVar aggregate classification (germline): Likely pathogenic. Review status: criteria provided, single submitter (1 of 4 stars). 3 submissions from 3 submitters: Likely pathogenic (1). 2 of the submissions do not count toward it.

Conditions:
Pulmonary arterial hypertension. Identifiers: Orphanet 182090, MedGen C2973725, MeSH D000081029, MONDO:0015924, HP:0002092.
Idiopathic and/or familial pulmonary arterial hypertension. Identifiers: Orphanet 422, MedGen C5679820, MONDO:0008347.
Pulmonary hypertension, primary, 1 (PPH1). Also called: Pulmonary hypertension, familial primary, 1, with or without HHT. Identifiers: Orphanet 422, MedGen C4552070, MONDO:0024533, OMIM 178600.
Pulmonary venoocclusive disease 1 (PVOD1). Also called: Pulmonary venoocclusive disease 1, autosomal dominant. Identifiers: Orphanet 31837, MedGen C3887658, MONDO:0020713, OMIM 265450.

Allele frequency attached by ClinVar (database versions not stated): gnomAD 0.00003.
gnomAD v4.1: 3 of 1,614,002 alleles (0.00019%); highest among the groups gnomAD compares: Non-Finnish European, 0.00025%; no homozygotes.

Submissions (3):

Juno Genomics, Hangzhou Juno Genomics, Inc
Classification: Likely pathogenic for Pulmonary hypertension, primary, 1; Pulmonary venoocclusive disease 1. Review status: criteria provided, single submitter. Criteria: ACMG Guidelines, 2015. Collection method: clinical testing. Allele origin: germline.
Comment: Null variant in a gene where loss of function (LOF) is a known mechanism of disease.;Absent from controls (or at extremely low frequency if recessive) in Genome Aggregation Database.

Rare Disease Genomics Group, St George's University of London
Classification: Pathogenic for Primary pulmonary hypertension. Review status: no assertion criteria provided. Collection method: literature only. Allele origin: germline. Affected: yes. Not counted in ClinVar's aggregate classification.

Wendy Chung Laboratory, Boston Children's Hospital
No classification provided. Condition: Idiopathic and/or familial pulmonary arterial hypertension. Review status: no classification provided. Collection method: literature only. Allele origin: germline. Affected: yes. Not counted in ClinVar's aggregate classification.

Literature cited by the submitters: PubMed 26387786 (cited by Rare Disease Genomics Group, St George's University of London); PubMed 31727138 (cited by Wendy Chung Laboratory, Boston Children's Hospital).

NM_001204.7(BMPR2):c.1981G>T (p.Glu661Ter)

Gene: BMPR2 (bone morphogenetic protein receptor type 2; plus strand). Cytogenetic location: 2q33.2.
Variant type: single nucleotide variant.
Coding change: c.1981G>T on transcript NM_001204.7 (MANE Select); coding-DNA position 1981, G replaced by T.
Protein change: p.Glu661Ter; replaces glutamic acid 661 with a stop codon.
Molecular consequence: nonsense.
Genome position (GRCh38, 1-based): chr2:202,555,646, G>T. VCF-style: chr2-202555646-G-T. GRCh37 (hg19) VCF-style: chr2-203420369-G-T.
Other names: c.1981G>T, p.E661* (LRG_712t1); short protein forms E661*.
Identifiers: ClinVar variation 425972 (VCV000425972.6), dbSNP rs759293027, ClinGen allele CA350347016.
Genomic context (GRCh38, chr2:202,555,646, plus strand): 5'-CATACCACAAATGTTGCACAGTCAATTGGGCCAACCCCTGTCTGCTTACAGCTGACAGAA[G>T]AAGACTTGGAAACCAACAAGCTAGACCCAAAAGAAGTTGATAAGAACCTCAAGGAAAGCT-3'